The following is an entry in ClinVar:

ClinVar aggregate classification (germline): Uncertain significance (1 of 4 stars; one submission).

Conditions:
ATP11A-related disorder. Also called: ATP11A-related condition.

gnomAD v4.1: 32 of 1,613,406 alleles (0.002%); highest among the groups gnomAD compares: Admixed American, 0.0067%; no homozygotes.

Submission:

PreventionGenetics, part of Exact Sciences
Classification: Uncertain significance for ATP11A-related condition. Last evaluated: 2026-06-28. Review status: criteria provided, single submitter. Criteria: ACMG Guidelines, 2015. Collection method: clinical testing. Allele origin: germline.
Comment: The ATP11A c.2269G>A variant is predicted to result in the amino acid substitution p.Gly757Ser. To our knowledge, this variant has not been reported in the literature. This variant is reported in 0.011% of alleles in individuals of Latino descent in gnomAD, which may be too common to be a primary cause of disease. Although we suspect this variant may be benign, at this time, the clinical significance of this variant is uncertain due to the absence of conclusive functional and genetic evidence.

NM_015205.3(ATP11A):c.2269G>A (p.Gly757Ser)

Gene: ATP11A (ATPase phospholipid transporting 11A; plus strand). Cytogenetic location: 13q34.
Variant type: single nucleotide variant.
Coding change: c.2269G>A on transcript NM_015205.3 (MANE Select); coding-DNA position 2269, G replaced by A.
Protein change: p.Gly757Ser; replaces glycine 757 with serine.
Molecular consequence: missense variant.
Genome position (GRCh38, 1-based): chr13:112,855,936, G>A. VCF-style: chr13-112855936-G-A. GRCh37 (hg19) VCF-style: chr13-113510250-G-A.
Other names: c.2269G>A, p.Gly757Ser (NM_001405662.1, NM_001405663.1, NM_032189.4 and 1 more transcripts); short protein forms G757S.
Identifiers: ClinVar variation 4988990 (VCV004988990.1).